The following is an entry in ClinVar:

NM_001122630.2(CDKN1C):c.659G>A (p.Gly220Glu)

Gene: CDKN1C (cyclin dependent kinase inhibitor 1C; minus strand). Cytogenetic location: 11p15.4.
Variant type: single nucleotide variant.
Coding change: c.659G>A on transcript NM_001122630.2 (MANE Select); coding-DNA position 659, G replaced by A.
Protein change: p.Gly220Glu; replaces glycine 220 with glutamic acid.
Molecular consequence: missense variant. On other transcripts: intron variant (1).
Genome position (GRCh38, 1-based): chr11:2,884,798, C>T on the plus strand (G>A on the coding strand, the complement: CDKN1C is on the minus strand). VCF-style: chr11-2884798-C-T. GRCh37 (hg19) VCF-style: chr11-2906028-C-T.
Other names: c.692G>A, p.Gly231Glu (NM_000076.2, NM_001362474.2); c.659G>A, p.Gly220Glu (NM_001122631.2); c.255+404G>A (NM_001362475.2); short protein forms G231E, G220E.
Identifiers: ClinVar variation 1472335 (VCV001472335.8), dbSNP rs1179846540, ClinGen allele CA379145844.

ClinVar aggregate classification (germline): Uncertain significance (1 of 4 stars; one submission).

Conditions:
Beckwith-Wiedemann syndrome (BWS). Also called: Exomphalos macroglossia gigantism syndrome; EMG SYNDROME. Identifiers: Orphanet 116, MedGen C0004903, MONDO:0007534, OMIM 130650.

Allele frequency attached by ClinVar (database versions not stated): gnomAD exomes below 0.00001.

Submission:

Labcorp Genetics (formerly Invitae), Labcorp
Classification: Uncertain significance for Beckwith-Wiedemann syndrome. Last evaluated: 2021-05-26. Review status: criteria provided, single submitter. Criteria: Invitae Variant Classification Sherloc (09022015). Collection method: clinical testing. Allele origin: germline.
Comment: This sequence change replaces glycine with glutamic acid at codon 231 of the CDKN1C protein (p.Gly231Glu). The glycine residue is weakly conserved and there is a moderate physicochemical difference between glycine and glutamic acid. This variant is not present in population databases (ExAC no frequency). This variant has not been reported in the literature in individuals with CDKN1C-related conditions. Algorithms developed to predict the effect of missense changes on protein structure and function output the following: SIFT: "Tolerated"; PolyPhen-2: "Not Available"; Align-GVGD: "Class C0". The glutamic acid amino acid residue is found in multiple mammalian species, suggesting that this missense change does not adversely affect protein function. These predictions have not been confirmed by published functional studies and their clinical significance is uncertain. In summary, the available evidence is currently insufficient to determine the role of this variant in disease. Therefore, it has been classified as a Variant of Uncertain Significance.